The following is an entry in ClinVar:

NM_000289.6(PFKM):c.1791G>C (p.Glu597Asp)

Gene: PFKM (phosphofructokinase, muscle; plus strand). Cytogenetic location: 12q13.11.
Variant type: single nucleotide variant.
Coding change: c.1791G>C on transcript NM_000289.6 (MANE Select); coding-DNA position 1791, G replaced by C.
Protein change: p.Glu597Asp; replaces glutamic acid 597 with aspartic acid.
Molecular consequence: missense variant. On other transcripts: non-coding transcript variant (6).
Genome position (GRCh38, 1-based): chr12:48,142,919, G>C. VCF-style: chr12-48142919-G-C. GRCh37 (hg19) VCF-style: chr12-48536702-G-C.
Other names: p.Glu597Asp; c.2004G>C, p.Glu668Asp (NM_001166686.2, NM_001354737.1, NM_001354738.1 and 1 more transcripts); c.1791G>C, p.Glu597Asp (NM_001166687.2, NM_001166688.2, NM_001354742.2 and 2 more transcripts); c.2100G>C, p.Glu700Asp (NM_001354735.1, NM_001354736.1); c.1935G>C, p.Glu645Asp (NM_001354740.1); c.1815G>C, p.Glu605Asp (NM_001354741.2); c.1704G>C, p.Glu568Asp (NM_001354745.2); c.1665G>C, p.Glu555Asp (NM_001354746.2); and 2 more; short protein forms E547D, E555D, E566D, E568D, E597D, E605D, E645D, E668D.
Identifiers: ClinVar variation 3380104 (VCV003380104.1).

ClinVar aggregate classification (germline): Uncertain significance (1 of 4 stars; one submission).

Submission:

Mayo Clinic Laboratories, Mayo Clinic
Classification: Uncertain significance. Last evaluated: 2024-08-23. Review status: criteria provided, single submitter. Criteria: ACMG Guidelines, 2015. Collection method: clinical testing. Allele origin: germline. Observed: 1 variant allele.
Comment: PP3, PM2